The following is an entry in ClinVar:

NM_001370466.1(NOD2):c.2446G>A (p.Glu816Lys)

Gene: NOD2 (nucleotide binding oligomerization domain containing 2; plus strand). Cytogenetic location: 16q12.1.
Variant type: single nucleotide variant.
Coding change: c.2446G>A on transcript NM_001370466.1 (MANE Select); coding-DNA position 2446, G replaced by A.
Protein change: p.Glu816Lys; replaces glutamic acid 816 with lysine.
Molecular consequence: missense variant. On other transcripts: non-coding transcript variant (1).
Genome position (GRCh38, 1-based): chr16:50,716,651, G>A. VCF-style: chr16-50716651-G-A. GRCh37 (hg19) VCF-style: chr16-50750562-G-A.
Other names: c.2527G>A (LRG_177t1); c.2446G>A, p.Glu816Lys (NM_001293557.2); c.2527G>A, p.Glu843Lys (NM_022162.3); short protein forms E843K, E816K.
Identifiers: ClinVar variation 97854 (VCV000097854.17), dbSNP rs104895445, ClinGen allele CA150274.

ClinVar aggregate classification (germline): Uncertain significance. Review status: criteria provided, multiple submitters, no conflicts (2 of 4 stars). 7 submissions from 7 submitters: Uncertain significance (6). 1 of the submissions does not count toward it. Last evaluated 2026-09-10.

Conditions:
Blau syndrome (BLAUS). Also called: ARTHROCUTANEOUVEAL GRANULOMATOSIS; GRANULOMATOSIS, FAMILIAL JUVENILE SYSTEMIC; GRANULOMATOSIS, FAMILIAL, BLAU TYPE; GRANULOMATOUS INFLAMMATORY ARTHRITIS, DERMATITIS, AND UVEITIS, FAMILIAL; JABS SYNDROME. Identifiers: Orphanet 90340, MedGen C5201146, MONDO:0008523, OMIM 186580.
Regional enteritis. Also called: Enteritis, Granulomatous. Identifiers: MedGen C0678202, MeSH D003424.
Autoinflammatory syndrome. Identifiers: Orphanet 93665, MedGen C3890737, MONDO:0019751.

Allele frequency attached by ClinVar (database versions not stated): gnomAD exomes 0.00004 and 0.00008; ExAC 0.00007; gnomAD 0.00008; TOPMed 0.00011; ESP Exome Variant Server 0.00023.

Submissions (7):

GeneDx
Classification: Uncertain significance. Last evaluated: 2026-09-10. Review status: criteria provided, single submitter. Criteria: GeneDx Variant Classification Process June 2021. Collection method: clinical testing. Allele origin: germline.
Comment: Reported in association with susceptibility to Crohn disease in one patient in published literature, but it is unknown if this individual was screened for variants in other genes associated with the phenotype (PMID: 11875755); Functional studies suggest that p.(E843K) results in impaired PGN-induced NOD2 signaling while preserving basal NF-kB activity (PMID: 12626759); In silico analysis suggests that this missense variant does not alter protein structure/function; This variant is associated with the following publications: (PMID: 15044951, 12626759, 40623177, 11875755, 39372397)

Women's Health and Genetics/Laboratory Corporation of America, LabCorp
Classification: Uncertain significance. Last evaluated: 2026-04-08. Review status: criteria provided, single submitter. Criteria: LabCorp Variant Classification Summary - May 2015. Collection method: clinical testing. Allele origin: germline.
Comment: Variant summary: NOD2 c.2527G>A (p.Glu843Lys) results in a conservative amino acid change in the encoded protein sequence. Algorithms developed to predict the effect of missense changes on protein structure and function are either unavailable or do not agree on the potential impact of this missense change. The variant allele was found at a frequency of 4.6e-05 in 1614050 control chromosomes in the gnomAD database, including 1 homozygotes. The observed variant frequency exceeds the estimated maximal expected allele frequency for disease-causing variants in NOD2. c.2527G>A has been observed in individual(s) affected with Yao syndrome and Crohn disease (Lesage_2002, Nomani_2024). These report(s) do not provide unequivocal conclusions about association of the variant with Blau syndrome. At least one publication reports experimental evidence evaluating an impact on protein function, however, does not allow convincing conclusions about the variant effect (Chamaillard_2003). The following publications have been ascertained in the context of this evaluation (PMID: 11875755, 39372397, 12626759). ClinVar contains an entry for this variant (Variation ID: 97854). Based on the evidence outlined above, the variant was classified as VUS-possibly benign.

Labcorp Genetics (formerly Invitae), Labcorp
Classification: Uncertain significance for Regional enteritis; Blau syndrome. Last evaluated: 2025-07-10. Review status: criteria provided, single submitter. Criteria: Invitae Variant Classification Sherloc (09022015). Collection method: clinical testing. Allele origin: germline.
Comment: This sequence change replaces glutamic acid, which is acidic and polar, with lysine, which is basic and polar, at codon 843 of the NOD2 protein (p.Glu843Lys). This variant is present in population databases (rs104895445, gnomAD 0.02%). This missense change has been observed in individual(s) with Crohn's disease (PMID: 11875755). ClinVar contains an entry for this variant (Variation ID: 97854). Invitae Evidence Modeling of protein sequence and biophysical properties (such as structural, functional, and spatial information, amino acid conservation, physicochemical variation, residue mobility, and thermodynamic stability) indicates that this missense variant is not expected to disrupt NOD2 protein function with a negative predictive value of 95%. Experimental studies have shown that this missense change affects NOD2 function (PMID: 12626759). In summary, the available evidence is currently insufficient to determine the role of this variant in disease. Therefore, it has been classified as a Variant of Uncertain Significance.

Blueprint Genetics
Classification: Uncertain significance. Last evaluated: 2024-11-25. Review status: criteria provided, single submitter. Criteria: ACMG Guidelines, 2015. Collection method: clinical testing. Allele origin: germline.

ARUP Laboratories, Molecular Genetics and Genomics, ARUP Laboratories
Classification: Uncertain significance. Last evaluated: 2022-04-01. Review status: criteria provided, single submitter. Criteria: ARUP Molecular Germline Variant Investigation Process 2021. Collection method: clinical testing. Allele origin: germline.
Comment: The NOD2 c.2527G>A; p.Glu843Lys variant (rs104895445), is reported in the literature in an individual affected with Chron's disease (Lesage, 2002). This variant is found in the general population with an overall allele frequency of 0.008 % (23/282,748 alleles) in the Genome Aggregation Database. The glutamic acid at codon 843 is highly conserved, but computational analyses are uncertain whether this variant is neutral or deleterious (REVEL: 0.19). Due to limited information, the clinical significance of the p.Glu843Lys variant is uncertain at this time. References: Lesage S et al. CARD15/NOD2 mutational analysis and genotype-phenotype correlation in 612 patients with inflammatory bowel disease. Am J Hum Genet. 2002 Apr;70(4):845-57. PMID: 11875755.

Genome Diagnostics Laboratory, The Hospital for Sick Children
Classification: Uncertain significance for Autoinflammatory syndrome. Last evaluated: 2018-09-01. Review status: criteria provided, single submitter. Criteria: ACMG Guidelines, 2015. Collection method: clinical testing. Allele origin: germline. Affected: yes.

Unité médicale des maladies autoinflammatoires, CHRU Montpellier
No classification provided. Condition: Sarcoidosis, early-onset. Review status: no classification provided. Collection method: not provided. Allele origin: unknown. Not counted in ClinVar's aggregate classification.
Comment: also involved in OMIM 186580 and 266600

Literature cited by the submitters: PubMed 12626759 (cited by Women's Health and Genetics/Laboratory Corporation of America, LabCorp and Labcorp Genetics (formerly Invitae), Labcorp); PubMed 11875755 (cited by Women's Health and Genetics/Laboratory Corporation of America, LabCorp and Labcorp Genetics (formerly Invitae), Labcorp); PubMed 39372397 (cited by Women's Health and Genetics/Laboratory Corporation of America, LabCorp).